The following is an entry in ClinVar:

NM_000316.3(PTH1R):c.364G>A (p.Ala122Thr)

Genes: PTH1R (parathyroid hormone 1 receptor; plus strand), LOC129936652 (ATAC-STARR-seq lymphoblastoid silent region 14297; plus strand). Cytogenetic location: 3p21.31.
Variant type: single nucleotide variant.
Coding change: c.364G>A on transcript NM_000316.3 (MANE Select); coding-DNA position 364, G replaced by A.
Protein change: p.Ala122Thr; replaces alanine 122 with threonine.
Molecular consequence: missense variant.
Genome position (GRCh38, 1-based): chr3:46,897,905, G>A. VCF-style: chr3-46897905-G-A. GRCh37 (hg19) VCF-style: chr3-46939395-G-A.
Other names: c.364G>A, p.Ala122Thr (NM_001184744.1); short protein forms A122T.
Identifiers: ClinVar variation 1410602 (VCV001410602.7), dbSNP rs200197785, ClinGen allele CA2359153.
Genomic context (GRCh38, chr3:46,897,905, plus strand): 5'-CTGGGCACAGGGCGCCCCTGTCTGCCGGAATGGGACCACATCCTGTGCTGGCCGCTGGGG[G>A]CACCAGGTGAGGTGGTGGCTGTGCCCTGTCCGGACTACATTTATGACTTCAATCACAAAG-3'
Protein context (NP_000307.1, residues 112-132): WDHILCWPLG[Ala122Thr]PGEVVAVPCP

ClinVar aggregate classification (germline): Uncertain significance. Review status: criteria provided, multiple submitters, no conflicts (2 of 4 stars). 2 submissions from 2 submitters: Uncertain significance (2). Last evaluated 2024-05-06.

Conditions:
Metaphyseal chondrodysplasia, Jansen type. Also called: Metaphyseal chondrodysplasia Murk Jansen type; PTH1R-Related Jansen Metaphyseal Chondrodysplasia. Identifiers: Orphanet 33067, MedGen C0265295, MONDO:0007982, OMIM 156400.
Primary failure of tooth eruption. Also called: DENTAL NONERUPTION; PRIMARY RETENTION OF TEETH; UNERUPTED SECOND PRIMARY MOLAR; POSTERIOR OPENBITE MALOCCLUSION, FAMILIAL. Identifiers: Orphanet 412206, MedGen C1852222, MONDO:0007434, OMIM 125350.
Chondrodysplasia Blomstrand type (BOCD). Identifiers: Orphanet 50945, MedGen C1859148, MONDO:0008970, OMIM 215045.
Eiken syndrome (EKNS). Also called: BONE MODELING DEFECT OF HANDS AND FEET. Identifiers: Orphanet 79106, MedGen C1838779, MONDO:0010803, OMIM 600002.

Allele frequency attached by ClinVar (database versions not stated): gnomAD 0.00001; gnomAD exomes 0.00001 and 0.00002; TOPMed 0.00001; ExAC 0.00002; ESP Exome Variant Server 0.00008.
gnomAD v4.1: 24 of 1,613,898 alleles (0.0015%); highest among the groups gnomAD compares: Middle Eastern, 0.034%; no homozygotes.

Submissions (2):

Labcorp Genetics (formerly Invitae), Labcorp
Classification: Uncertain significance. Last evaluated: 2024-05-06. Review status: criteria provided, single submitter. Criteria: Invitae Variant Classification Sherloc (09022015). Collection method: clinical testing. Allele origin: germline.
Comment: This sequence change replaces alanine, which is neutral and non-polar, with threonine, which is neutral and polar, at codon 122 of the PTH1R protein (p.Ala122Thr). This variant is present in population databases (rs200197785, gnomAD 0.006%). This variant has not been reported in the literature in individuals affected with PTH1R-related conditions. ClinVar contains an entry for this variant (Variation ID: 1410602). Advanced modeling of protein sequence and biophysical properties (such as structural, functional, and spatial information, amino acid conservation, physicochemical variation, residue mobility, and thermodynamic stability) performed at Invitae indicates that this missense variant is not expected to disrupt PTH1R protein function with a negative predictive value of 80%. Experimental studies are conflicting or provide insufficient evidence to determine the effect of this variant on PTH1R function (PMID: 18559376). In summary, the available evidence is currently insufficient to determine the role of this variant in disease. Therefore, it has been classified as a Variant of Uncertain Significance.

Fulgent Genetics
Classification: Uncertain significance for Primary failure of tooth eruption; Metaphyseal chondrodysplasia, Jansen type; Chondrodysplasia Blomstrand type; Eiken syndrome. Last evaluated: 2024-02-06. Review status: criteria provided, single submitter. Criteria: ACMG Guidelines, 2015. Collection method: clinical testing. Allele origin: germline.

Literature cited by the submitters: PubMed 18559376 (cited by Labcorp Genetics (formerly Invitae), Labcorp).